The following is an entry in ClinVar:

NM_021927.3(GUF1):c.215G>A (p.Ser72Asn)

Gene: GUF1 (GTP binding elongation factor GUF1; plus strand). Cytogenetic location: 4p12.
Variant type: single nucleotide variant.
Coding change: c.215G>A on transcript NM_021927.3 (MANE Select); coding-DNA position 215, G replaced by A.
Protein change: p.Ser72Asn; replaces serine 72 with asparagine.
Molecular consequence: missense variant. On other transcripts: 5 prime UTR variant (1), intron variant (1).
Genome position (GRCh38, 1-based): chr4:44,680,490, G>A. VCF-style: chr4-44680490-G-A. GRCh37 (hg19) VCF-style: chr4-44682507-G-A.
Other names: c.-754G>A (NM_001345867.2); c.215G>A, p.Ser72Asn (NM_001345868.2); c.-695-204G>A (NM_001345869.2); short protein forms S72N.
Identifiers: ClinVar variation 2113078 (VCV002113078.4), dbSNP rs2545488795, ClinGen allele CA356760565.

ClinVar aggregate classification (germline): Uncertain significance (1 of 4 stars; one submission).

Submission:

Labcorp Genetics (formerly Invitae), Labcorp
Classification: Uncertain significance. Last evaluated: 2022-11-22. Review status: criteria provided, single submitter. Criteria: Invitae Variant Classification Sherloc (09022015). Collection method: clinical testing. Allele origin: germline.
Comment: In summary, the available evidence is currently insufficient to determine the role of this variant in disease. Therefore, it has been classified as a Variant of Uncertain Significance. Advanced modeling of protein sequence and biophysical properties (such as structural, functional, and spatial information, amino acid conservation, physicochemical variation, residue mobility, and thermodynamic stability) performed at Invitae indicates that this missense variant is expected to disrupt GUF1 protein function. This variant has not been reported in the literature in individuals affected with GUF1-related conditions. This variant is not present in population databases (gnomAD no frequency). This sequence change replaces serine, which is neutral and polar, with asparagine, which is neutral and polar, at codon 72 of the GUF1 protein (p.Ser72Asn).